The following is an entry in ClinVar:

NM_017617.5(NOTCH1):c.4586+6G>T

Gene: NOTCH1 (notch receptor 1; minus strand). Cytogenetic location: 9q34.3.
Variant type: single nucleotide variant.
Coding change: c.4586+6G>T on transcript NM_017617.5 (MANE Select); 6 bases into the intron after coding-DNA position 4586, G replaced by T.
Molecular consequence: intron variant.
Genome position (GRCh38, 1-based): chr9:136,505,304, C>A on the plus strand (G>T on the coding strand, the complement: NOTCH1 is on the minus strand). VCF-style: chr9-136505304-C-A. GRCh37 (hg19) VCF-style: chr9-139399756-C-A.
Identifiers: ClinVar variation 2762984 (VCV002762984.3), dbSNP rs1343846565, ClinGen allele CA2697558223.

ClinVar aggregate classification (germline): Uncertain significance (1 of 4 stars; one submission).

Conditions:
Adams-Oliver syndrome 5 (AOS5). Identifiers: Orphanet 974, MedGen C4014970, MONDO:0014459, OMIM 616028.

Submission:

Labcorp Genetics (formerly Invitae), Labcorp
Classification: Uncertain significance for Adams-Oliver syndrome 5. Last evaluated: 2024-07-03. Review status: criteria provided, single submitter. Criteria: Invitae Variant Classification Sherloc (09022015). Collection method: clinical testing. Allele origin: germline.
Comment: This sequence change falls in intron 25 of the NOTCH1 gene. It does not directly change the encoded amino acid sequence of the NOTCH1 protein. It affects a nucleotide within the consensus splice site. This variant is not present in population databases (gnomAD no frequency). This variant has not been reported in the literature in individuals affected with NOTCH1-related conditions. Variants that disrupt the consensus splice site are a relatively common cause of aberrant splicing (PMID: 17576681, 9536098). Algorithms developed to predict the effect of sequence changes on RNA splicing suggest that this variant is not likely to affect RNA splicing. In summary, the available evidence is currently insufficient to determine the role of this variant in disease. Therefore, it has been classified as a Variant of Uncertain Significance.

Literature cited by the submitters: PubMed 17576681; PubMed 9536098.